The following is an entry in ClinVar:

ClinVar aggregate classification (germline): Uncertain significance. Review status: criteria provided, multiple submitters, no conflicts (2 of 4 stars). 2 submissions from 2 submitters: Uncertain significance (2). Last evaluated 2023-07-24.

Conditions:
Cystic fibrosis (CF). Also called: MUCOVISCIDOSIS. Identifiers: Orphanet 586, MedGen C0010674, MONDO:0009061, OMIM 219700. Disease mechanism: loss of function.

Submissions (2):

Women's Health and Genetics/Laboratory Corporation of America, LabCorp
Classification: Uncertain significance. Last evaluated: 2023-07-24. Review status: criteria provided, single submitter. Criteria: LabCorp Variant Classification Summary - May 2015. Collection method: clinical testing. Allele origin: germline.
Comment: Variant summary: CFTR c.3376_3381delGAAGGA (p.Glu1126_Gly1127del) results in an in-frame deletion that is predicted to remove 2 amino acids from ABC transporter type 1, transmembrane domain (IPR011527) of the encoded protein. The variant was absent in 250850 control chromosomes (gnomAD). The available data on variant occurrences in the general population are insufficient to allow any conclusion about variant significance. To our knowledge, no occurrence of c.3376_3381delGAAGGA in individuals affected with Cystic Fibrosis and no experimental evidence demonstrating its impact on protein function have been reported. One submitter has cited a clinical-significance assessment for this variant to ClinVar after 2014 and has classified the variant as uncertain significance. Based on the evidence outlined above, the variant was classified as uncertain significance.

Labcorp Genetics (formerly Invitae), Labcorp
Classification: Uncertain significance for Cystic fibrosis. Last evaluated: 2021-10-05. Review status: criteria provided, single submitter. Criteria: Invitae Variant Classification Sherloc (09022015). Collection method: clinical testing. Allele origin: germline.
Comment: This variant, c.3376_3381del, results in the deletion of 2 amino acid(s) of the CFTR protein (p.Glu1126_Gly1127del), but otherwise preserves the integrity of the reading frame. This variant is not present in population databases (ExAC no frequency). This variant has not been reported in the literature in individuals affected with CFTR-related conditions. Experimental studies and prediction algorithms are not available or were not evaluated, and the functional significance of this variant is currently unknown. In summary, the available evidence is currently insufficient to determine the role of this variant in disease. Therefore, it has been classified as a Variant of Uncertain Significance.

NM_000492.3(CFTR):c.3376_3381delGAAGGA

Genes: CFTR (CF transmembrane conductance regulator; plus strand), CFTR-AS2 (CFTR antisense RNA 2; minus strand). Cytogenetic location: 7q31.2.
Variant type: Microsatellite.
Coding change: c.3376_3381delGAAGGA on transcript NM_000492.3; coding-DNA positions 3376 to 3381, 6 bases deleted (GAAGGA).
Genome position (GRCh38, 1-based): chr7:117,614,621-117,614,626, GAAGGA deleted; deleting any 6 consecutive bases within chr7:117,614,611-117,614,626 gives the same sequence; the c. name uses the placement nearest the transcript's 3' end. VCF-style (leftmost placement, unchanged base first): chr7-117614610-TAGGAGA-T. GRCh37 (hg19) VCF-style: chr7-117254664-TAGGAGA-T.
Identifiers: ClinVar variation 1412635 (VCV001412635.3), dbSNP rs1554392764, ClinGen allele CA2579000295.